The following is an entry in ClinVar:

ClinVar aggregate classification (germline): Conflicting classifications of pathogenicity. Review status: criteria provided, conflicting classifications (1 of 4 stars). 12 submissions from 12 submitters: Likely pathogenic (3); Uncertain significance (7). 2 of the submissions do not count toward it. Last evaluated 2026-01-15.

Conditions:
CFTR-related disorder (CFTR-RD). Also called: CFTR-related condition; CFTR-related disorders. Identifiers: MedGen C5924204, MONDO:7770004.
Cystic fibrosis (CF). Also called: MUCOVISCIDOSIS. Identifiers: Orphanet 586, MedGen C0010674, MONDO:0009061, OMIM 219700. Disease mechanism: loss of function.

gnomAD v4.1: 152 of 1,600,798 alleles (0.0095%); highest among the groups gnomAD compares: Middle Eastern, 0.033%; no homozygotes.

Submissions (12):

Women's Health and Genetics/Laboratory Corporation of America, LabCorp
Classification: Uncertain significance. Last evaluated: 2026-01-15. Review status: criteria provided, single submitter. Criteria: LabCorp Variant Classification Summary - May 2015. Collection method: clinical testing. Allele origin: germline.
Comment: Variant summary: CFTR c.1364C>T (p.Ala455Val) results in a non-conservative amino acid change in the encoded protein sequence. Algorithms developed to predict the effect of missense changes on protein structure and function all suggest that this variant is likely to be disruptive. The variant allele was found at a frequency of 5.7e-05 in 243858 control chromosomes. This frequency is not significantly higher than estimated for disease-causing variants in CFTR, allowing no conclusion about variant significance. c.1364C>T has been reported in the literature in individuals undergoing carrier screening/clinical testing for Cystic Fibrosis (example, Buyse_2004, Strom_2003, Archibald_2018) and as a compound heterozygous genotype with another pathogenic CFTR variant in at-least one pancreatically sufficient individual in a cohort of CF patients over age 40 years (example, Nick_2010) without strong evidence for causality. These report(s) do not provide unequivocal conclusions about association of the variant with Cystic Fibrosis. A different variant affecting the same codon has been classified as pathogenic by our lab (c.1364C>A, p.Ala455Glu), supporting the critical relevance of codon 455 to CFTR protein function. At least one publication reports experimental evidence evaluating an impact on protein function. The most pronounced variant effect resulted in approximately (52.35)% of normal chloride channel conductance relative to wild type (e.g., Bihler_2024). The following publications have been ascertained in the context of this evaluation (PMID: 29261177, 38388235, 15371908, 37628659, 20448091, 12544470, 33572515, 36827430, 28957316, 32734384, 33155043, 25880441, 33113799, 19429692, 12732620, 31019283, 25122661, 20530643).ClinVar contains an entry for this variant (Variation ID: 411125). Based on the evidence outlined above, the variant was classified as uncertain significance.

Mayo Clinic Laboratories, Mayo Clinic
Classification: Uncertain significance. Last evaluated: 2025-07-08. Review status: criteria provided, single submitter. Criteria: ACMG Guidelines, 2015. Collection method: clinical testing. Allele origin: germline. Observed: 2 variant alleles.
Comment: PP3, PM2_supporting, PM5

Ambry Genetics
Classification: Likely pathogenic for Cystic fibrosis. Last evaluated: 2025-04-10. Review status: criteria provided, single submitter. Criteria: Ambry Variant Classification Scheme 2023. Collection method: clinical testing. Allele origin: germline.
Comment: The p.A455V variant (also known as c.1364C>T), located in coding exon 10 of the CFTR gene, results from a C to T substitution at nucleotide position 1364. The alanine at codon 455 is replaced by valine, an amino acid with similar properties. This variant has been detected with a pathogenic CFTR mutation in an individual who was diagnosed with cystic fibrosis in adulthood (Nick JA et al. Am. J. Respir. Crit. Care Med., 2010 Sep;182:614-26). This amino acid position is highly conserved in available vertebrate species. In addition, this alteration is predicted to be deleterious by in silico analysis. Based on the majority of available evidence to date, this variant is likely to be pathogenic.

Labcorp Genetics (formerly Invitae), Labcorp
Classification: Uncertain significance for Cystic fibrosis. Last evaluated: 2025-01-22. Review status: criteria provided, single submitter. Criteria: Invitae Variant Classification Sherloc (09022015). Collection method: clinical testing. Allele origin: germline.
Comment: This sequence change replaces alanine, which is neutral and non-polar, with valine, which is neutral and non-polar, at codon 455 of the CFTR protein (p.Ala455Val). The frequency data for this variant in the population databases is considered unreliable, as metrics indicate poor data quality at this position in the gnomAD database. This missense change has been observed in individual(s) with clinical features of CFTR-related conditions (PMID: 15371908, 20448091). ClinVar contains an entry for this variant (Variation ID: 411125). Invitae Evidence Modeling of protein sequence and biophysical properties (such as structural, functional, and spatial information, amino acid conservation, physicochemical variation, residue mobility, and thermodynamic stability) has been performed for this missense variant. However, the output from this modeling did not meet the statistical confidence thresholds required to predict the impact of this variant on CFTR protein function. This variant disrupts the p.Ala455 amino acid residue in CFTR. Other variant(s) that disrupt this residue have been determined to be pathogenic (PMID: 23974870). This suggests that this residue is clinically significant, and that variants that disrupt this residue are likely to be disease-causing. In summary, the available evidence is currently insufficient to determine the role of this variant in disease. Therefore, it has been classified as a Variant of Uncertain Significance.

Quest Diagnostics Nichols Institute San Juan Capistrano
Classification: Uncertain significance. Last evaluated: 2025-01-20. Review status: criteria provided, single submitter. Criteria: Quest Diagnostics criteria. Collection method: clinical testing. Allele origin: unknown.
Comment: The CFTR c.1364C>T (p.Ala455Val) variant has been reported in the published literature in individuals undergoing genetic carrier screening (PMID: 15371908 (2004), 12544470 (2003)). The variant has been observed with a second CF pathogenic variant in an individual diagnosed with CF in adulthood (PMID: 20448091 (2010)). A published functional study showed that the variant had around 50% of chloride transport activity relative to wild type CFTR and was classified as responsive to CFTR modulators (PMID: 38388235 (2024)). A different missense variant at the same codon, c.1364C>A (p.Ala455Glu), is a well-characterized CF pathogenic variant (ClinVar). The frequency of this variant in the general population (Genome Aggregation Database) is uninformative in the assessment of its pathogenicity. Analysis of this variant using bioinformatics tools for the prediction of the effect of amino acid changes on protein structure and function yielded predictions that this variant is damaging. Based on the available information, we are unable to determine the clinical significance of this variant.

Blueprint Genetics
Classification: Uncertain significance. Last evaluated: 2024-11-01. Review status: criteria provided, single submitter. Criteria: ACMG Guidelines, 2015. Collection method: clinical testing. Allele origin: germline.

Genomic Medicine Center of Excellence, King Faisal Specialist Hospital and Research Centre
Classification: Likely pathogenic for Cystic fibrosis. Last evaluated: 2024-03-29. Review status: criteria provided, single submitter. Criteria: ACMG Guidelines, 2015. Collection method: clinical testing. Allele origin: germline.

Genome-Nilou Lab
Classification: Uncertain significance for Cystic fibrosis. Last evaluated: 2021-07-22. Review status: criteria provided, single submitter. Criteria: ACMG Guidelines, 2015. Collection method: clinical testing. Allele origin: germline. Affected: no.

Eurofins Ntd Llc (ga)
Classification: Uncertain significance. Last evaluated: 2017-10-06. Review status: criteria provided, single submitter. Criteria: EGL Classification Definitions 2015. Collection method: clinical testing. Allele origin: germline. Observed: 2 variant alleles, 2 heterozygotes.

Kariminejad - Najmabadi Pathology & Genetics Center
Classification: Likely pathogenic for Cystic fibrosis. Review status: criteria provided, single submitter. Criteria: ACMG Guidelines, 2015. Collection method: clinical testing. Allele origin: germline. Affected: no.

PreventionGenetics, part of Exact Sciences
Classification: Uncertain significance for CFTR-related condition. Last evaluated: 2023-12-04. Review status: no assertion criteria provided. Collection method: clinical testing. Allele origin: germline. Not counted in ClinVar's aggregate classification.
Comment: The CFTR c.1364C>T variant is predicted to result in the amino acid substitution p.Ala455Val. This variant has been reported in individuals undergoing CFTR testing (Buyse et al. 2004. PubMed ID: 15371908; Archibald et al 2018. PubMed ID: 29261177); however, further evidence of pathogenicity was not provided. This variant, along with a nonsense CFTR variant, has also been reported in an individual diagnosed with cystic fibrosis in adulthood (Table E1, Nick JA et al. 2010. PubMed ID: 20448091). An alternative missense variant at the same amino acid position (i.e. p.Ala455Glu) is an established pathogenic variant (Sosnay et al. 2013. PubMed ID: 23974870). The c.1364C>T (p.Ala455Val) variant is reported in 0.017% of alleles in individuals of South Asian descent in gnomAD. Although we suspect that this variant may be pathogenic, at this time, the clinical significance of this variant is uncertain due to the absence of conclusive functional and genetic evidence.

Molecular Genetics Laboratory, BC Children's and BC Women's Hospitals
Classification: Uncertain significance for Cystic Fibrosis. Last evaluated: 2019-05-16. Review status: no assertion criteria provided. Criteria: ACMG Guidelines, 2015. Collection method: clinical testing. Allele origin: germline. Not counted in ClinVar's aggregate classification.

Literature cited by the submitters: PubMed 12544470 (cited by 4 submitters); PubMed 20448091 (cited by 5 submitters); PubMed 12732620 (cited by Women's Health and Genetics/Laboratory Corporation of America, LabCorp); PubMed 25880441 (cited by Women's Health and Genetics/Laboratory Corporation of America, LabCorp); PubMed 28957316 (cited by Women's Health and Genetics/Laboratory Corporation of America, LabCorp); PubMed 29261177 (cited by 4 submitters); PubMed 15371908 (cited by 5 submitters); PubMed 33572515 (cited by Women's Health and Genetics/Laboratory Corporation of America, LabCorp and Mayo Clinic Laboratories, Mayo Clinic); PubMed 31019283 (cited by Women's Health and Genetics/Laboratory Corporation of America, LabCorp); PubMed 38388235 (cited by 3 submitters); PubMed 37628659 (cited by 3 submitters); PubMed 32734384 (cited by Women's Health and Genetics/Laboratory Corporation of America, LabCorp); PubMed 36827430 (cited by Women's Health and Genetics/Laboratory Corporation of America, LabCorp); PubMed 25122661 (cited by Women's Health and Genetics/Laboratory Corporation of America, LabCorp); PubMed 20530643 (cited by Women's Health and Genetics/Laboratory Corporation of America, LabCorp); PubMed 19429692 (cited by Women's Health and Genetics/Laboratory Corporation of America, LabCorp); PubMed 33155043 (cited by Women's Health and Genetics/Laboratory Corporation of America, LabCorp); PubMed 33113799 (cited by Women's Health and Genetics/Laboratory Corporation of America, LabCorp); PubMed 7542778 (cited by Mayo Clinic Laboratories, Mayo Clinic and Ambry Genetics); PubMed 23974870 (cited by Labcorp Genetics (formerly Invitae), Labcorp).

NM_000492.4(CFTR):c.1364C>T (p.Ala455Val)

Genes: CFTR (CF transmembrane conductance regulator; plus strand), CFTR-AS1 (CFTR antisense RNA 1; minus strand). Cytogenetic location: 7q31.2.
Variant type: single nucleotide variant.
Coding change: c.1364C>T on transcript NM_000492.4 (MANE Select); coding-DNA position 1364, C replaced by T.
Protein change: p.Ala455Val; replaces alanine 455 with valine.
Molecular consequence: missense variant.
Genome position (GRCh38, 1-based): chr7:117,548,795, C>T. VCF-style: chr7-117548795-C-T. GRCh37 (hg19) VCF-style: chr7-117188849-C-T.
Other names: p.Ala455Val; short protein forms A455V.
Identifiers: ClinVar variation 411125 (VCV000411125.38), dbSNP rs74551128, ClinGen allele CA4450977.